The following is an entry in ClinVar:

NM_000257.4(MYH7):c.1266T>C (p.Tyr422=)

Gene: MYH7 (myosin heavy chain 7; minus strand). Cytogenetic location: 14q11.2.
Variant type: single nucleotide variant.
Coding change: c.1266T>C on transcript NM_000257.4 (MANE Select); coding-DNA position 1266, T replaced by C.
Protein change: p.Tyr422=; no amino-acid change (tyrosine 422 retained).
Molecular consequence: synonymous variant.
Genome position (GRCh38, 1-based): chr14:23,429,096, A>G on the plus strand (T>C on the coding strand, the complement: MYH7 is on the minus strand). VCF-style: chr14-23429096-A-G. GRCh37 (hg19) VCF-style: chr14-23898305-A-G.
Other names: c.1266T>C (LRG_384t1).
Identifiers: ClinVar variation 255626 (VCV000255626.24), dbSNP rs141519877, ClinGen allele CA028139.

ClinVar aggregate classification (germline): Likely benign. Review status: criteria provided, multiple submitters, no conflicts (2 of 4 stars). 8 submissions from 8 submitters: Likely benign (7). 1 of the submissions does not count toward it. Last evaluated 2026-01-07.

Conditions:
Cardiovascular phenotype. Identifiers: MedGen CN230736.
MYH7-related disorder. Also called: MYH7-related condition; MYH7-related disease; MYH7-related disorders.
Cardiomyopathy (CMYO). Also called: Cardiomyopathies. Identifiers: Orphanet 167848, MedGen C0878544, MONDO:0004994, HP:0001638. Inheritance: Various modes of inheritance.
Hypertrophic cardiomyopathy. Also called: HYPERTROPHIC MYOCARDIOPATHY. Identifiers: Orphanet 217569, MedGen C0007194, MeSH D002312, MONDO:0005045, HP:0001639.

Allele frequency attached by ClinVar (database versions not stated): ExAC 0.00002; gnomAD exomes 0.00002 and 0.00006; gnomAD 0.00004; TOPMed 0.00004; ESP Exome Variant Server 0.00015.
gnomAD v4.1: 95 of 1,614,116 alleles (0.0059%); highest among the groups gnomAD compares: Non-Finnish European, 0.0078%; no homozygotes.

Submissions (8):

Labcorp Genetics (formerly Invitae), Labcorp
Classification: Likely benign for Hypertrophic cardiomyopathy. Last evaluated: 2026-01-07. Review status: criteria provided, single submitter. Criteria: Invitae Variant Classification Sherloc (09022015). Collection method: clinical testing. Allele origin: germline.

All of Us Research Program, National Institutes of Health
Classification: Likely benign for Cardiomyopathy. Last evaluated: 2023-12-13. Review status: criteria provided, single submitter. Criteria: ACMG Guidelines, 2015. Collection method: clinical testing. Allele origin: germline. Inheritance: Autosomal dominant inheritance. Observed: 10 variant alleles, 10 heterozygotes.
Comment: This study involves interpretation of variants in research participants for the purpose of population health screening. Participant phenotype was not available at the time of variant classification. Additional details can be found in publication PMID: 35346344, PMCID: PMC8962531

Ambry Genetics
Classification: Likely benign for Cardiovascular phenotype. Last evaluated: 2023-05-27. Review status: criteria provided, single submitter. Criteria: Ambry Variant Classification Scheme 2023. Collection method: clinical testing. Allele origin: germline.

Blueprint Genetics
Classification: Likely benign. Last evaluated: 2022-02-21. Review status: criteria provided, single submitter. Criteria: ACMG Guidelines, 2015. Collection method: clinical testing. Allele origin: germline.

Color Diagnostics, LLC DBA Color Health
Classification: Likely benign for Cardiomyopathy. Last evaluated: 2019-03-07. Review status: criteria provided, single submitter. Criteria: ACMG Guidelines, 2015. Collection method: clinical testing. Allele origin: germline.

GeneDx
Classification: Likely benign. Last evaluated: 2018-06-27. Review status: criteria provided, single submitter. Criteria: GeneDx Variant Classification Process June 2021. Collection method: clinical testing. Allele origin: germline. Affected: yes.

CHEO Genetics Diagnostic Laboratory, Children's Hospital of Eastern Ontario
Classification: Likely benign for Cardiomyopathy. Last evaluated: 2018-03-26. Review status: criteria provided, single submitter. Criteria: ACMG Guidelines, 2015. Collection method: clinical testing. Allele origin: germline.

PreventionGenetics, part of Exact Sciences
Classification: Likely benign for MYH7-related condition. Last evaluated: 2024-05-03. Review status: no assertion criteria provided. Collection method: clinical testing. Allele origin: germline. Not counted in ClinVar's aggregate classification.
Comment: This variant is classified as likely benign based on ACMG/AMP sequence variant interpretation guidelines (Richards et al. 2015 PMID: 25741868, with internal and published modifications).